The following is an entry in ClinVar:

ClinVar aggregate classification (germline): Uncertain significance (1 of 4 stars; one submission).

Conditions:
Autosomal dominant polycystic kidney disease. Identifiers: Orphanet 730, MedGen C0085413, MONDO:0004691.

Allele frequency attached by ClinVar (database versions not stated): gnomAD exomes below 0.00001.
gnomAD v4.1: 1 of 1,434,834 alleles (0.00007%); highest among the groups gnomAD compares: Non-Finnish European, 0.000092%; no homozygotes.

Submission:

Labcorp Genetics (formerly Invitae), Labcorp
Classification: Uncertain significance for Autosomal dominant polycystic kidney disease. Last evaluated: 2023-10-15. Review status: criteria provided, single submitter. Criteria: Invitae Variant Classification Sherloc (09022015). Collection method: clinical testing. Allele origin: germline.
Comment: This sequence change replaces alanine, which is neutral and non-polar, with valine, which is neutral and non-polar, at codon 62 of the PKD2 protein (p.Ala62Val). This variant is not present in population databases (gnomAD no frequency). This variant has not been reported in the literature in individuals affected with PKD2-related conditions. An algorithm developed to predict the effect of missense changes on protein structure and function (PolyPhen-2) suggests that this variant is likely to be disruptive. In summary, the available evidence is currently insufficient to determine the role of this variant in disease. Therefore, it has been classified as a Variant of Uncertain Significance.

NM_000297.4(PKD2):c.185C>T (p.Ala62Val)

Genes: PKD2 (polycystin 2, transient receptor potential cation channel; plus strand), LOC129992813 (ATAC-STARR-seq lymphoblastoid silent region 15559; plus strand). Cytogenetic location: 4q22.1.
Variant type: single nucleotide variant.
Coding change: c.185C>T on transcript NM_000297.4 (MANE Select); coding-DNA position 185, C replaced by T.
Protein change: p.Ala62Val; replaces alanine 62 with valine.
Molecular consequence: missense variant. On other transcripts: non-coding transcript variant (1).
Genome position (GRCh38, 1-based): chr4:88,007,918, C>T. VCF-style: chr4-88007918-C-T. GRCh37 (hg19) VCF-style: chr4-88929070-C-T.
Other names: short protein forms A62V.
Identifiers: ClinVar variation 2807024 (VCV002807024.3), dbSNP rs568163119, ClinGen allele CA357625638.